The following is an entry in ClinVar:

NM_005002.5(NDUFA9):c.94C>A (p.Pro32Thr)

Gene: NDUFA9 (NADH:ubiquinone oxidoreductase subunit A9; plus strand). Cytogenetic location: 12p13.32.
Variant type: single nucleotide variant.
Coding change: c.94C>A on transcript NM_005002.5 (MANE Select); coding-DNA position 94, C replaced by A.
Protein change: p.Pro32Thr; replaces proline 32 with threonine.
Molecular consequence: missense variant.
Genome position (GRCh38, 1-based): chr12:4,654,336, C>A. VCF-style: chr12-4654336-C-A. GRCh37 (hg19) VCF-style: chr12-4763502-C-A.
Other names: short protein forms P32T.
Identifiers: ClinVar variation 2120661 (VCV002120661.4), dbSNP rs2498067975, ClinGen allele CA383448173.
Genomic context (GRCh38, chr12:4,654,336, plus strand): 5'-TGGGGTTTTGTTTAAGGTTCTGCCATTACTGCAATAGCCACATCTGTGTGTCACGGCCCA[C>A]CCTGTCGCCAGCTTCATCATGCCCTCATGCCTCATGGGAAAGGTGGACGTTCCTCAGTCA-3'
Protein context (NP_004993.1, residues 22-42): AIATSVCHGP[Pro32Thr]CRQLHHALMP

ClinVar aggregate classification (germline): Uncertain significance (1 of 4 stars; one submission).

Submission:

Labcorp Genetics (formerly Invitae), Labcorp
Classification: Uncertain significance. Last evaluated: 2024-10-24. Review status: criteria provided, single submitter. Criteria: Invitae Variant Classification Sherloc (09022015). Collection method: clinical testing. Allele origin: germline.
Comment: This sequence change replaces proline, which is neutral and non-polar, with threonine, which is neutral and polar, at codon 32 of the NDUFA9 protein (p.Pro32Thr). This variant is not present in population databases (gnomAD no frequency). This variant has not been reported in the literature in individuals affected with NDUFA9-related conditions. ClinVar contains an entry for this variant (Variation ID: 2120661). An algorithm developed to predict the effect of missense changes on protein structure and function (PolyPhen-2) suggests that this variant is likely to be tolerated. In summary, the available evidence is currently insufficient to determine the role of this variant in disease. Therefore, it has been classified as a Variant of Uncertain Significance.